The following is an entry in ClinVar:

NM_182643.3(DLC1):c.4525G>A (p.Val1509Ile)

Gene: DLC1 (DLC1 Rho GTPase activating protein; minus strand). Cytogenetic location: 8p22.
Variant type: single nucleotide variant.
Coding change: c.4525G>A on transcript NM_182643.3 (MANE Select); coding-DNA position 4525, G replaced by A.
Protein change: p.Val1509Ile; replaces valine 1509 with isoleucine.
Molecular consequence: missense variant.
Genome position (GRCh38, 1-based): chr8:13,085,873, C>T on the plus strand (G>A on the coding strand, the complement: DLC1 is on the minus strand). VCF-style: chr8-13085873-C-T. GRCh37 (hg19) VCF-style: chr8-12943382-C-T.
Other names: c.2992G>A, p.Val998Ile (NM_001164271.2, NM_001348082.2, NM_001348083.1 and 6 more transcripts); c.3316G>A, p.Val1106Ile (NM_001316668.2); c.4525G>A, p.Val1509Ile (NM_001348081.2, NM_001413124.1); c.3097G>A, p.Val1033Ile (NM_001413129.1); c.3307G>A, p.Val1103Ile (NM_001413130.1); c.2965G>A, p.Val989Ile (NM_001413131.1, NM_001413137.1); c.3451G>A, p.Val1151Ile (NM_001413132.1); c.3214G>A, p.Val1072Ile (NM_001413135.1, NM_006094.5); and 3 more; short protein forms V1033I, V1072I, V1151I, V1509I, V1103I, V989I, V998I, V999I.
Identifiers: ClinVar variation 2052332 (VCV002052332.7), dbSNP rs142253103, ClinGen allele CA4637881.

ClinVar aggregate classification (germline): Conflicting classifications of pathogenicity. Review status: criteria provided, conflicting classifications (1 of 4 stars). 3 submissions from 3 submitters: Uncertain significance (1); Benign (1). 1 of the submissions does not count toward it. Last evaluated 2025-12-11.

Conditions:
DLC1-related disorder. Also called: DLC1-related condition.

Allele frequency attached by ClinVar (database versions not stated): gnomAD exomes 0.00014; gnomAD 0.00027; ExAC 0.00058; 1000 Genomes Project 30x 0.00078; 1000 Genomes Project 0.00080.
gnomAD v4.1: 265 of 1,614,168 alleles (0.016%); highest among the groups gnomAD compares: East Asian, 0.46%; no homozygotes.

Submissions (3):

Labcorp Genetics (formerly Invitae), Labcorp
Classification: Benign. Last evaluated: 2025-12-11. Review status: criteria provided, single submitter. Criteria: Invitae Variant Classification Sherloc (09022015). Collection method: clinical testing. Allele origin: germline.

Blueprint Genetics
Classification: Uncertain significance. Last evaluated: 2024-09-10. Review status: criteria provided, single submitter. Criteria: ACMG Guidelines, 2015. Collection method: clinical testing. Allele origin: germline.

PreventionGenetics, part of Exact Sciences
Classification: Likely benign for DLC1-related condition. Last evaluated: 2022-02-03. Review status: no assertion criteria provided. Collection method: clinical testing. Allele origin: germline. Not counted in ClinVar's aggregate classification.
Comment: This variant is classified as likely benign based on ACMG/AMP sequence variant interpretation guidelines (Richards et al. 2015 PMID: 25741868, with internal and published modifications).